The following is an entry in ClinVar:

NM_001197104.2(KMT2A):c.10226T>C (p.Phe3409Ser)

Gene: KMT2A (lysine methyltransferase 2A; plus strand). Cytogenetic location: 11q23.3.
Variant type: single nucleotide variant.
Coding change: c.10226T>C on transcript NM_001197104.2 (MANE Select); coding-DNA position 10226, T replaced by C.
Protein change: p.Phe3409Ser; replaces phenylalanine 3409 with serine.
Molecular consequence: missense variant.
Genome position (GRCh38, 1-based): chr11:118,506,118, T>C. VCF-style: chr11-118506118-T-C. GRCh37 (hg19) VCF-style: chr11-118376833-T-C.
Other names: c.10316T>C, p.Phe3439Ser (NM_001412597.1); c.10217T>C, p.Phe3406Ser (NM_005933.4); short protein forms F3439S, F3409S, F3406S.
Identifiers: ClinVar variation 2816389 (VCV002816389.3), dbSNP rs2497028188, ClinGen allele CA382822923.

ClinVar aggregate classification (germline): Uncertain significance (1 of 4 stars; one submission).

Submission:

Labcorp Genetics (formerly Invitae), Labcorp
Classification: Uncertain significance. Last evaluated: 2025-04-07. Review status: criteria provided, single submitter. Criteria: Invitae Variant Classification Sherloc (09022015). Collection method: clinical testing. Allele origin: germline.
Comment: This sequence change replaces phenylalanine, which is neutral and non-polar, with serine, which is neutral and polar, at codon 3409 of the KMT2A protein (p.Phe3409Ser). This variant is not present in population databases (gnomAD no frequency). This variant has not been reported in the literature in individuals affected with KMT2A-related conditions. ClinVar contains an entry for this variant (Variation ID: 2816389). Invitae Evidence Modeling of protein sequence and biophysical properties (such as structural, functional, and spatial information, amino acid conservation, physicochemical variation, residue mobility, and thermodynamic stability) indicates that this missense variant is not expected to disrupt KMT2A protein function with a negative predictive value of 95%. In summary, the available evidence is currently insufficient to determine the role of this variant in disease. Therefore, it has been classified as a Variant of Uncertain Significance.